The following is an entry in ClinVar:

ClinVar aggregate classification (germline): Conflicting classifications of pathogenicity. Review status: criteria provided, conflicting classifications (1 of 4 stars). 2 submissions from 2 submitters: Uncertain significance (1); Likely benign (1). Last evaluated 2021-09-30.

Conditions:
Hereditary cancer-predisposing syndrome. Also called: Neoplastic Syndromes, Hereditary; Tumor predisposition; Hereditary neoplastic syndrome; Hereditary Cancer Syndrome. Identifiers: Orphanet 140162, MedGen C0027672, MeSH D009386, MONDO:0015356.

Allele frequency attached by ClinVar (database versions not stated): gnomAD exomes below 0.00001 and 0.00001; ExAC 0.00003; ESP Exome Variant Server 0.00008.
gnomAD v4.1: 1 of 1,586,466 alleles (0.000063%); highest among the groups gnomAD compares: Non-Finnish European, 0.000085%; no homozygotes.

Submissions (2):

Ambry Genetics
Classification: Likely benign for Hereditary cancer-predisposing syndrome. Last evaluated: 2021-09-30. Review status: criteria provided, single submitter. Criteria: Ambry Variant Classification Scheme 2023. Collection method: clinical testing. Allele origin: germline.

Labcorp Genetics (formerly Invitae), Labcorp
Classification: Uncertain significance. Last evaluated: 2021-08-10. Review status: criteria provided, single submitter. Criteria: Invitae Variant Classification Sherloc (09022015). Collection method: clinical testing. Allele origin: germline.
Comment: In summary, the available evidence is currently insufficient to determine the role of this variant in disease. Therefore, it has been classified as a Variant of Uncertain Significance. Algorithms developed to predict the effect of missense changes on protein structure and function output the following: SIFT: "Not Available"; PolyPhen-2: "Benign"; Align-GVGD: "Not Available". The glycine amino acid residue is found in multiple mammalian species, which suggests that this missense change does not adversely affect protein function. This variant has not been reported in the literature in individuals affected with NTHL1-related conditions. This variant is present in population databases (rs369039003, ExAC 0.005%). This sequence change replaces arginine with glycine at codon 33 of the NTHL1 protein (p.Arg33Gly). The arginine residue is weakly conserved and there is a moderate physicochemical difference between arginine and glycine.

NM_002528.7(NTHL1):c.73A>G (p.Arg25Gly)

Gene: NTHL1 (nth like DNA glycosylase 1; minus strand). Cytogenetic location: 16p13.3.
Variant type: single nucleotide variant.
Coding change: c.73A>G on transcript NM_002528.7 (MANE Select); coding-DNA position 73, A replaced by G.
Protein change: p.Arg25Gly; replaces arginine 25 with glycine.
Molecular consequence: missense variant. On other transcripts: 5 prime UTR variant (1).
Genome position (GRCh38, 1-based): chr16:2,047,751, T>C on the plus strand (A>G on the coding strand, the complement: NTHL1 is on the minus strand). VCF-style: chr16-2047751-T-C. GRCh37 (hg19) VCF-style: chr16-2097752-T-C.
Other names: c.73A>G, p.Arg25Gly (NM_001318193.2); c.-106A>G (NM_001318194.2); short protein forms R25G.
Identifiers: ClinVar variation 1373882 (VCV001373882.8), dbSNP rs369039003, ClinGen allele CA027938.
Genomic context (GRCh38, chr16:2,047,751, plus strand): 5'-GCCACGGCGCGGCGCTACCTGCTGCAGCCTCTCTTCTCCGGAGAGGCCCGGGCTCCTCCC[T>C]ACACCCCCGCGGCCCAGCCCCGGGTCCCAGGCTCCGGCTCCGGGTCAGCATCCTCGCGCT-3'
Protein context (NP_002519.2, residues 15-35): LGPGAGPRGC[Arg25Gly]EEPGPLRRRE